The following is an entry in ClinVar:

ClinVar aggregate classification (germline): Uncertain significance (1 of 4 stars; one submission).

gnomAD v4.1: 3 of 1,613,502 alleles (0.00019%); highest among the groups gnomAD compares: Non-Finnish European, 0.00025%; no homozygotes.

Submission:

Athena Diagnostics
Classification: Uncertain significance. Last evaluated: 2024-04-16. Review status: criteria provided, single submitter. Criteria: Athena Diagnostics Criteria. Collection method: clinical testing. Allele origin: unknown.
Comment: Available data are insufficient to determine the clinical significance of the variant at this time. This variant has not been reported in large, multi-ethnic general populations. Computational tools predict that this variant is not damaging.

NM_001267550.2(TTN):c.21740T>C (p.Ile7247Thr)

Gene: TTN (titin; minus strand). Cytogenetic location: 2q31.2.
Variant type: single nucleotide variant.
Coding change: c.21740T>C on transcript NM_001267550.2 (MANE Select); coding-DNA position 21740, T replaced by C.
Protein change: p.Ile7247Thr; replaces isoleucine 7247 with threonine.
Molecular consequence: missense variant. On other transcripts: intron variant (3).
Genome position (GRCh38, 1-based): chr2:178,723,267, A>G on the plus strand (T>C on the coding strand, the complement: TTN is on the minus strand). VCF-style: chr2-178723267-A-G. GRCh37 (hg19) VCF-style: chr2-179587994-A-G.
Other names: c.20789T>C, p.Ile6930Thr (NM_001256850.1); c.18008T>C, p.Ile6003Thr (NM_133378.4); c.13282+14815T>C (NM_003319.4); c.13858+14815T>C (NM_133437.4); c.13657+14815T>C (NM_133432.3); c.21740T>C (NM_001267550.1); short protein forms I6003T, I6930T, I7247T.
Identifiers: ClinVar variation 3571782 (VCV003571782.1), dbSNP rs1578040309.